The following is an entry in ClinVar:

NM_001358530.2(MOCS1):c.*578C>T

Gene: MOCS1 (molybdenum cofactor synthesis 1; minus strand). Cytogenetic location: 6p21.2.
Variant type: single nucleotide variant.
Coding change: c.*578C>T on transcript NM_001358530.2 (MANE Select); 578 bases downstream of the stop codon, C replaced by T.
Molecular consequence: 3 prime UTR variant. On other transcripts: non-coding transcript variant (1).
Genome position (GRCh38, 1-based): chr6:39,905,779, G>A on the plus strand (C>T on the coding strand, the complement: MOCS1 is on the minus strand). VCF-style: chr6-39905779-G-A. GRCh37 (hg19) VCF-style: chr6-39873555-G-A.
Other names: c.*1346C>T (NM_001075098.4, NM_001358533.2, NM_001358534.2 and 1 more transcripts); c.*578C>T (NM_001358529.2, NM_001358531.2).
Identifiers: ClinVar variation 356629 (VCV000356629.5), dbSNP rs147395035, ClinGen allele CA3795737.

ClinVar aggregate classification (germline): Benign (1 of 4 stars; one submission).

Conditions:
Sulfite oxidase deficiency due to molybdenum cofactor deficiency type A. Also called: Molybdenum Cofactor Deficiency A; Molybdenum cofactor deficiency, complementation group A. Identifiers: Orphanet 308386, Orphanet 833, MedGen C1854988, MONDO:0009643, OMIM 252150.

Allele frequency attached by ClinVar (database versions not stated): gnomAD 0.00739 and 0.00779; TOPMed 0.00757; 1000 Genomes Project 0.00779; 1000 Genomes Project 30x 0.00781; gnomAD exomes 0.01024 and 0.01121; ExAC 0.01599.
gnomAD v4.1: 4,756 of 471,220 alleles (1%); highest among the groups gnomAD compares: South Asian, 1.8%; 46 homozygotes.

Submission:

Illumina Laboratory Services, Illumina
Classification: Benign for Sulfite oxidase deficiency due to molybdenum cofactor deficiency type A. Last evaluated: 2018-01-12. Review status: criteria provided, single submitter. Criteria: ICSL Variant Classification Criteria 13 December 2019. Collection method: clinical testing. Allele origin: germline.
Comment: This variant was observed in the ICSL laboratory as part of a predisposition screen in an ostensibly healthy population. It had not been previously curated by ICSL or reported in the Human Gene Mutation Database (HGMD: prior to June 1st, 2018), and was therefore a candidate for classification through an automated scoring system. Utilizing variant allele frequency, disease prevalence and penetrance estimates, and inheritance mode, an automated score was calculated to assess if this variant is too frequent to cause the disease. Based on the score and internal cut-off values, a variant classified as benign is not then subjected to further curation. The score for this variant resulted in a classification of benign for this disease.